The following is an entry in ClinVar:

NM_006554.5(MTX2):c.544-1G>C

Gene: MTX2 (metaxin 2; plus strand). Cytogenetic location: 2q31.1.
Variant type: single nucleotide variant.
Coding change: c.544-1G>C on transcript NM_006554.5 (MANE Select); the canonical splice acceptor site of the intron before coding-DNA position 544, G replaced by C.
Molecular consequence: splice acceptor variant. On other transcripts: intron variant (1).
Genome position (GRCh38, 1-based): chr2:176,330,583, G>C. VCF-style: chr2-176330583-G-C. GRCh37 (hg19) VCF-style: chr2-177195311-G-C.
Other names: IVS8AS, G-C, -1; c.514-1G>C (NM_001006635.3); c.543+1157G>C (NM_001319098.2); c.475-1G>C (NM_001319097.2).
Identifiers: ClinVar variation 805939 (VCV000805939.6), dbSNP rs1575062905, ClinGen allele CA349698996.

ClinVar aggregate classification (germline): Pathogenic. Review status: no assertion criteria provided (0 of 4 stars). 2 submissions from 2 submitters: Pathogenic (2). Last evaluated 2021-01-04.

Conditions:
Progeroid mandibuloacral dysplasia.
Mandibuloacral dysplasia progeroid syndrome. Identifiers: Orphanet 647667, MedGen C5436867, MONDO:0030880, OMIM 619127.

Submissions (2):

OMIM
Classification: Pathogenic for MANDIBULOACRAL DYSPLASIA PROGEROID SYNDROME. Last evaluated: 2021-01-04. Review status: no assertion criteria provided. Collection method: literature only. Allele origin: germline.

Marseille Medical Genetics, U1251, Aix Marseille University, Inserm
Classification: Pathogenic for Progeroid mandibuloacral dysplasia. Last evaluated: 2017-02-01. Review status: no assertion criteria provided. Collection method: research. Allele origin: germline. Affected: yes. Observed: 1 variant allele.
Comment: Disorder with autosomal recessive inheritance

Literature cited by the submitters: PubMed 32917887 (cited by OMIM).